The following is an entry in ClinVar:

NM_001042492.3(NF1):c.5034T>G (p.Tyr1678Ter)

Gene: NF1 (neurofibromin 1; plus strand). Cytogenetic location: 17q11.2.
Variant type: single nucleotide variant.
Coding change: c.5034T>G on transcript NM_001042492.3 (MANE Select); coding-DNA position 5034, T replaced by G.
Protein change: p.Tyr1678Ter; replaces tyrosine 1678 with a stop codon.
Molecular consequence: nonsense.
Genome position (GRCh38, 1-based): chr17:31,326,018, T>G. VCF-style: chr17-31326018-T-G. GRCh37 (hg19) VCF-style: chr17-29653036-T-G.
Other names: c.4971T>G, p.Tyr1657Ter (NM_000267.4); short protein forms Y1657*, Y1678*.
Identifiers: ClinVar variation 954811 (VCV000954811.6), dbSNP rs2069331323, ClinGen allele CA399007361.

ClinVar aggregate classification (germline): Pathogenic (1 of 4 stars; one submission).

Conditions:
Neurofibromatosis, type 1 (NF1). Also called: VON RECKLINGHAUSEN DISEASE; NEUROFIBROMATOSIS, TYPE I, SOMATIC; Peripheral type neurofibromatosis; Neurofibromatosis, type I. Identifiers: Orphanet 636, MedGen C0027831, MONDO:0018975, OMIM 162200. Disease mechanism: loss of function.

Submission:

Labcorp Genetics (formerly Invitae), Labcorp
Classification: Pathogenic for Neurofibromatosis, type 1. Last evaluated: 2020-06-24. Review status: criteria provided, single submitter. Criteria: Invitae Variant Classification Sherloc (09022015). Collection method: clinical testing. Allele origin: germline.
Comment: This variant has not been reported in the literature in individuals with NF1-related conditions. This variant is not present in population databases (ExAC no frequency). This sequence change creates a premature translational stop signal (p.Tyr1657*) in the NF1 gene. It is expected to result in an absent or disrupted protein product. For these reasons, this variant has been classified as Pathogenic. Loss-of-function variants in NF1 are known to be pathogenic (PMID: 10712197, 23913538). Algorithms developed to predict the effect of sequence changes on RNA splicing suggest that this variant may create or strengthen a splice site, but this prediction has not been confirmed by published transcriptional studies.

Literature cited by the submitters: PubMed 10712197; PubMed 23913538.